The following is an entry in ClinVar:

NM_006231.4(POLE):c.2245C>T (p.Arg749Trp)

Gene: POLE (DNA polymerase epsilon, catalytic subunit; minus strand). Cytogenetic location: 12q24.33.
Variant type: single nucleotide variant.
Coding change: c.2245C>T on transcript NM_006231.4 (MANE Select); coding-DNA position 2245, C replaced by T.
Protein change: p.Arg749Trp; replaces arginine 749 with tryptophan.
Molecular consequence: missense variant.
Genome position (GRCh38, 1-based): chr12:132,667,577, G>A on the plus strand (C>T on the coding strand, the complement: POLE is on the minus strand). VCF-style: chr12-132667577-G-A. GRCh37 (hg19) VCF-style: chr12-133244163-G-A.
Other names: short protein forms R749W.
Identifiers: ClinVar variation 405757 (VCV000405757.13), dbSNP rs751326135, ClinGen allele CA6893621.

ClinVar aggregate classification (germline): Uncertain significance. Review status: criteria provided, multiple submitters, no conflicts (2 of 4 stars). 3 submissions from 3 submitters: Uncertain significance (3). Last evaluated 2025-12-23.

Conditions:
Hereditary cancer-predisposing syndrome. Also called: Hereditary Cancer Syndrome; Hereditary neoplastic syndrome; Neoplastic Syndromes, Hereditary; Tumor predisposition. Identifiers: Orphanet 140162, MedGen C0027672, MeSH D009386, MONDO:0015356.

Allele frequency attached by ClinVar (database versions not stated): ExAC 0.00001.
gnomAD v4.1: 5 of 1,613,850 alleles (0.00031%); highest among the groups gnomAD compares: South Asian, 0.0011%; no homozygotes.

Submissions (3):

Labcorp Genetics (formerly Invitae), Labcorp
Classification: Uncertain significance. Last evaluated: 2025-12-23. Review status: criteria provided, single submitter. Criteria: Invitae Variant Classification Sherloc (09022015). Collection method: clinical testing. Allele origin: germline.
Comment: This sequence change replaces arginine, which is basic and polar, with tryptophan, which is neutral and slightly polar, at codon 749 of the POLE protein (p.Arg749Trp). This variant is present in population databases (rs751326135, gnomAD 0.003%). This missense change has been observed in individual(s) with POLE-related conditions (PMID: 34326862, 35534704). ClinVar contains an entry for this variant (Variation ID: 405757). Invitae Evidence Modeling of protein sequence and biophysical properties (such as structural, functional, and spatial information, amino acid conservation, physicochemical variation, residue mobility, and thermodynamic stability) indicates that this missense variant is expected to disrupt POLE protein function with a positive predictive value of 80%. In summary, the available evidence is currently insufficient to determine the role of this variant in disease. Therefore, it has been classified as a Variant of Uncertain Significance.

Ambry Genetics
Classification: Uncertain significance for Hereditary cancer-predisposing syndrome. Last evaluated: 2025-07-22. Review status: criteria provided, single submitter. Criteria: Ambry Variant Classification Scheme 2023. Collection method: clinical testing. Allele origin: germline.
Comment: The p.R749W variant (also known as c.2245C>T), located in coding exon 20 of the POLE gene, results from a C to T substitution at nucleotide position 2245. The arginine at codon 749 is replaced by tryptophan, an amino acid with dissimilar properties. This amino acid position is highly conserved in available vertebrate species. In addition, the in silico prediction for this alteration is inconclusive. Based on the available evidence, the clinical significance of this variant remains unclear.

GeneDx
Classification: Uncertain significance. Last evaluated: 2019-10-30. Review status: criteria provided, single submitter. Criteria: GeneDx Variant Classification Process June 2021. Collection method: clinical testing. Allele origin: germline. Affected: yes.
Comment: Not observed at a significant frequency in large population cohorts (Lek 2016); In silico analysis, which includes protein predictors and evolutionary conservation, supports a deleterious effect; Has not been previously published as a pathogenic or benign germline variant to our knowledge; This variant is associated with the following publications: (PMID: 29056344)

Literature cited by the submitters: PubMed 34326862 (cited by Labcorp Genetics (formerly Invitae), Labcorp); PubMed 35534704 (cited by Labcorp Genetics (formerly Invitae), Labcorp).